The following is an entry in ClinVar:

NM_001378120.1(MBD5):c.266A>G (p.Asp89Gly)

Gene: MBD5 (methyl-CpG binding domain protein 5; plus strand). Cytogenetic location: 2q23.1.
Variant type: single nucleotide variant.
Coding change: c.266A>G on transcript NM_001378120.1 (MANE Select); coding-DNA position 266, A replaced by G.
Protein change: p.Asp89Gly; replaces aspartic acid 89 with glycine.
Molecular consequence: missense variant.
Genome position (GRCh38, 1-based): chr2:148,463,788, A>G. VCF-style: chr2-148463788-A-G. GRCh37 (hg19) VCF-style: chr2-149221357-A-G.
Other names: c.266A>G, p.Asp89Gly (NM_018328.5); short protein forms D89G.
Identifiers: ClinVar variation 2663234 (VCV002663234.1), dbSNP rs2469818340, ClinGen allele CA348716420.
Genomic context (GRCh38, chr2:148,463,788, plus strand): 5'-GCTTTTTCCAGGTATTTAATTTTGATCCTGGAGCTGCTGTGAAACAGAGAACCGCAGAAG[A>G]TGTTAAGGCAGATGAAGATGTCACAAAGCTATGCATACATAAAAGAAAAATTATTGCAGT-3'
Protein context (NP_001365049.1, residues 79-99): GAAVKQRTAE[Asp89Gly]VKADEDVTKL

ClinVar aggregate classification (germline): Uncertain significance (1 of 4 stars; one submission).

Submission:

GeneDx
Classification: Uncertain significance. Last evaluated: 2023-05-11. Review status: criteria provided, single submitter. Criteria: GeneDx Variant Classification Process June 2021. Collection method: clinical testing. Allele origin: germline. Affected: yes.
Comment: Not observed at significant frequency in large population cohorts (gnomAD); In silico analysis supports that this missense variant does not alter protein structure/function; Has not been previously published as pathogenic or benign to our knowledge